The following is an entry in ClinVar:

NM_004082.5(DCTN1):c.1484G>A (p.Arg495Gln)

Gene: DCTN1 (dynactin subunit 1; minus strand). Cytogenetic location: 2p13.1.
Variant type: single nucleotide variant.
Coding change: c.1484G>A on transcript NM_004082.5 (MANE Select); coding-DNA position 1484, G replaced by A.
Protein change: p.Arg495Gln; replaces arginine 495 with glutamine.
Molecular consequence: missense variant. On other transcripts: non-coding transcript variant (1).
Genome position (GRCh38, 1-based): chr2:74,369,400, C>T on the plus strand (G>A on the coding strand, the complement: DCTN1 is on the minus strand). VCF-style: chr2-74369400-C-T. GRCh37 (hg19) VCF-style: chr2-74596527-C-T.
Other names: c.1424G>A, p.Arg475Gln (NM_001135040.3); c.1082G>A, p.Arg361Gln (NM_001135041.3, NM_023019.4); c.1373G>A, p.Arg458Gln (NM_001190836.2); c.1463G>A, p.Arg488Gln (NM_001190837.2); c.1433G>A, p.Arg478Gln (NM_001378991.1); c.1415G>A, p.Arg472Gln (NM_001378992.1); short protein forms R361Q, R458Q, R495Q, R475Q, R488Q, R472Q, R478Q.
Identifiers: ClinVar variation 259232 (VCV000259232.42), dbSNP rs17721059, ClinGen allele CA1722134.

ClinVar aggregate classification (germline): Conflicting classifications of pathogenicity. Review status: criteria provided, conflicting classifications (1 of 4 stars). 13 submissions from 12 submitters: Uncertain significance (1); Benign (9). 3 of the submissions do not count toward it. Last evaluated 2026-10-01.

Conditions:
Neuronopathy, distal hereditary motor, type 7B. Also called: Distal Hereditary Motor Neuronopathy Type 7B (dHMN7B); HMN VIIB; LOWER MOTOR NEURON DISEASE, DYNACTIN TYPE; NEURONOPATHY, DISTAL HEREDITARY MOTOR, AUTOSOMAL DOMINANT 14; NEURONOPATHY, DISTAL HEREDITARY MOTOR, HARDING TYPE VIIB; NEUROPATHY, DISTAL HEREDITARY MOTOR, HARDING TYPE VIIB. Identifiers: Orphanet 139589, MedGen C1843315, MONDO:0011879, OMIM 607641.
Perry syndrome. Also called: PARKINSONISM WITH ALVEOLAR HYPOVENTILATION AND MENTAL DEPRESSION. Identifiers: Orphanet 178509, MedGen C1868594, MONDO:0008201, OMIM 168605.
Amyotrophic lateral sclerosis type 1 (ALS1). Also called: AMYOTROPHIC LATERAL SCLEROSIS 1, FAMILIAL. Identifiers: Orphanet 803, MedGen C1862939, MONDO:0007103, OMIM 105400.
Amyotrophic lateral sclerosis (ALS). Also called: Lou Gehrig disease; Charcot disease. Identifiers: Orphanet 803, MedGen C0002736, MONDO:0004976, HP:0007354.

Allele frequency attached by ClinVar (database versions not stated): 1000 Genomes Project 30x 0.00765; 1000 Genomes Project 0.00779; gnomAD 0.01278 and 0.01316; ExAC 0.01316; gnomAD exomes 0.01372 and 0.01676; ESP Exome Variant Server 0.01376; TOPMed 0.01423.

Submissions (23):

CeGaT Center for Human Genetics Tuebingen
Classification: Benign. Last evaluated: 2026-10-01. Review status: criteria provided, single submitter. Criteria: CeGaT Center For Human Genetics Tuebingen Variant Classification Criteria Version 2. Collection method: clinical testing. Allele origin: germline. Affected: yes. Observed: 26 variant alleles.
Comment: DCTN1: BS1, BS2

Labcorp Genetics (formerly Invitae), Labcorp
Classification: Benign for Amyotrophic lateral sclerosis type 1; Neuronopathy, distal hereditary motor, type 7B; Perry syndrome. Last evaluated: 2026-02-03. Review status: criteria provided, single submitter. Criteria: Invitae Variant Classification Sherloc (09022015). Collection method: clinical testing. Allele origin: germline.

ARUP Laboratories, Molecular Genetics and Genomics, ARUP Laboratories
Classification: Benign. Last evaluated: 2025-07-30. Review status: criteria provided, single submitter. Criteria: ARUP Molecular Germline Variant Investigation Process 2024. Collection method: clinical testing. Allele origin: germline.

Athena Diagnostics
Classification: Benign. Last evaluated: 2023-11-15. Review status: criteria provided, single submitter. Criteria: Athena Diagnostics Criteria. Collection method: clinical testing. Allele origin: unknown.

UM ALS/MND Lab, University Of Malta
Classification: Uncertain significance for Amyotrophic lateral sclerosis. Last evaluated: 2020-09-09. Review status: criteria provided, single submitter. Criteria: ACMG Guidelines, 2015. Collection method: case-control. Allele origin: unknown. Affected: yes. Observed: 1 variant allele.
Comment: Single heterozygote

Illumina Laboratory Services, Illumina
Classification: Benign for Neuronopathy, distal hereditary motor, type 7B. Last evaluated: 2018-01-12. Review status: criteria provided, single submitter. Criteria: ICSL Variant Classification Criteria 13 December 2019. Collection method: clinical testing. Allele origin: germline.
Comment: This variant was observed in the ICSL laboratory as part of a predisposition screen in an ostensibly healthy population. It had not been previously curated by ICSL or reported in the Human Gene Mutation Database (HGMD: prior to June 1st, 2018), and was therefore a candidate for classification through an automated scoring system. Utilizing variant allele frequency, disease prevalence and penetrance estimates, and inheritance mode, an automated score was calculated to assess if this variant is too frequent to cause the disease. Based on the score and internal cut-off values, a variant classified as benign is not then subjected to further curation. The score for this variant resulted in a classification of benign for this disease.

Illumina Laboratory Services, Illumina
Classification: Benign for Perry syndrome. Last evaluated: 2018-01-12. Review status: criteria provided, single submitter. Criteria: ICSL Variant Classification Criteria 13 December 2019. Collection method: clinical testing. Allele origin: germline.
Comment: the same text as in the submission from Illumina Laboratory Services, Illumina above.

Mayo Clinic Laboratories, Mayo Clinic
Classification: Benign. Last evaluated: 2016-03-24. Review status: criteria provided, single submitter. Criteria: ACMG Guidelines, 2015. Collection method: clinical testing. Allele origin: germline. Observed: 110 variant alleles.

GeneDx
Classification: Benign. Last evaluated: 2015-03-03. Review status: criteria provided, single submitter. Criteria: GeneDx Variant Classification Process June 2021. Collection method: clinical testing. Allele origin: germline. Affected: yes.

PreventionGenetics, part of Exact Sciences
Classification: Benign. Review status: criteria provided, single submitter. Criteria: ACMG Guidelines, 2015. Collection method: clinical testing. Allele origin: germline.

Clinical Genetics, Academic Medical Center
Classification: Benign. Review status: no assertion criteria provided. Collection method: clinical testing. Allele origin: germline. Affected: yes. Study: VKGL Data-share Consensus. Not counted in ClinVar's aggregate classification.

Dr. Peter K. Rogan Lab, Western University
No classification provided (evidence only). Condition: Melanoma. Review status: no classification provided. Collection method: in vitro. Allele origin: not applicable. Functional consequence: retained intron. Not counted in ClinVar's aggregate classification.

Dr. Peter K. Rogan Lab, Western University
No classification provided (evidence only). Condition: Acute myeloid leukemia. Review status: no classification provided. Collection method: in vitro. Allele origin: not applicable. Functional consequence: retained intron. Not counted in ClinVar's aggregate classification.

Dr. Peter K. Rogan Lab, Western University
No classification provided (evidence only). Condition: Colorectal cancer. Review status: no classification provided. Collection method: in vitro. Allele origin: not applicable. Functional consequence: retained intron. Not counted in ClinVar's aggregate classification.

Dr. Peter K. Rogan Lab, Western University
No classification provided (evidence only). Condition: Colorectal cancer. Review status: no classification provided. Collection method: in vitro. Allele origin: not applicable. Functional consequence: retained intron. Not counted in ClinVar's aggregate classification.

Dr. Peter K. Rogan Lab, Western University
No classification provided (evidence only). Condition: Uterine corpus endometrial carcinoma. Review status: no classification provided. Collection method: in vitro. Allele origin: not applicable. Functional consequence: retained intron. Not counted in ClinVar's aggregate classification.

Dr. Peter K. Rogan Lab, Western University
No classification provided (evidence only). Condition: Thymoma. Review status: no classification provided. Collection method: in vitro. Allele origin: not applicable. Functional consequence: retained intron. Not counted in ClinVar's aggregate classification.

Dr. Peter K. Rogan Lab, Western University
No classification provided (evidence only). Condition: Cholangiocarcinoma. Review status: no classification provided. Collection method: in vitro. Allele origin: not applicable. Functional consequence: retained intron. Not counted in ClinVar's aggregate classification.

Dr. Peter K. Rogan Lab, Western University
No classification provided (evidence only). Condition: Ovarian serous cystadenocarcinoma. Review status: no classification provided. Collection method: in vitro. Allele origin: not applicable. Functional consequence: retained intron. Not counted in ClinVar's aggregate classification.

Dr. Peter K. Rogan Lab, Western University
No classification provided (evidence only). Condition: Gastric cancer. Review status: no classification provided. Collection method: in vitro. Allele origin: not applicable. Functional consequence: retained intron. Not counted in ClinVar's aggregate classification.

Dr. Peter K. Rogan Lab, Western University
No classification provided (evidence only). Condition: Malignant tumor of esophagus. Review status: no classification provided. Collection method: in vitro. Allele origin: not applicable. Functional consequence: retained intron. Not counted in ClinVar's aggregate classification.

Genome Diagnostics Laboratory, Amsterdam University Medical Center
Classification: Benign. Review status: no assertion criteria provided. Collection method: clinical testing. Allele origin: germline. Affected: yes. Study: VKGL Data-share Consensus. Not counted in ClinVar's aggregate classification.

Genome Diagnostics Laboratory, University Medical Center Utrecht
Classification: Likely benign. Review status: no assertion criteria provided. Collection method: clinical testing. Allele origin: germline. Affected: yes. Study: VKGL Data-share Consensus. Not counted in ClinVar's aggregate classification.

Literature cited by the submitters: PubMed 26662454 (cited by Athena Diagnostics); PubMed 33414559 (cited by Athena Diagnostics); PubMed 29525178 (cited by Athena Diagnostics); PubMed 25382069 (cited by Athena Diagnostics); PubMed 19506225 (cited by Athena Diagnostics); PubMed 17824900 (cited by Athena Diagnostics).